The following is an entry in ClinVar:

ClinVar aggregate classification (germline): Benign. Review status: criteria provided, multiple submitters, no conflicts (2 of 4 stars). 3 submissions from 3 submitters: Benign (2). 1 of the submissions does not count toward it. Last evaluated 2018-07-05.

Conditions:
ATG2B-related disorder. Also called: ATG2B-related condition.

Allele frequency attached by ClinVar (database versions not stated): ESP Exome Variant Server 0.00085; gnomAD exomes 0.00466 and 0.02009; gnomAD 0.01010 and 0.01030; ExAC 0.01453; TOPMed 0.01887; 1000 Genomes Project 0.02097; 1000 Genomes Project 30x 0.02358.
gnomAD v4.1: 8,404 of 1,613,936 alleles (0.52%); highest among the groups gnomAD compares: Admixed American, 13%; 582 homozygotes.

Submissions (3):

GeneDx
Classification: Benign. Last evaluated: 2018-07-05. Review status: criteria provided, single submitter. Criteria: GeneDx Variant Classification Process June 2021. Collection method: clinical testing. Allele origin: germline. Affected: yes.

Breakthrough Genomics
Classification: Benign. Review status: criteria provided, single submitter. Criteria: ACMG Guidelines, 2015. Collection method: not provided. Allele origin: germline. Inheritance: Unknown mechanism. Affected: yes.

PreventionGenetics, part of Exact Sciences
Classification: Benign for ATG2B-related condition. Last evaluated: 2019-09-26. Review status: no assertion criteria provided. Collection method: clinical testing. Allele origin: germline. Not counted in ClinVar's aggregate classification.
Comment: This variant is classified as benign based on ACMG/AMP sequence variant interpretation guidelines (Richards et al. 2015 PMID: 25741868, with internal and published modifications).

NM_018036.7(ATG2B):c.5103A>C (p.Arg1701Ser)

Gene: ATG2B (autophagy related 2B; minus strand). Cytogenetic location: 14q32.2.
Variant type: single nucleotide variant.
Coding change: c.5103A>C on transcript NM_018036.7 (MANE Select); coding-DNA position 5103, A replaced by C.
Protein change: p.Arg1701Ser; replaces arginine 1701 with serine.
Molecular consequence: missense variant.
Genome position (GRCh38, 1-based): chr14:96,302,043, T>G on the plus strand (A>C on the coding strand, the complement: ATG2B is on the minus strand). VCF-style: chr14-96302043-T-G. GRCh37 (hg19) VCF-style: chr14-96768380-T-G.
Other names: c.5103A>C (NM_018036.6); short protein forms R1701S.
Identifiers: ClinVar variation 1281030 (VCV001281030.4), dbSNP rs74719094, ClinGen allele CA7335731.